The following is an entry in ClinVar:

NM_006648.4(WNK2):c.5128A>G (p.Thr1710Ala)

Gene: WNK2 (WNK lysine deficient protein kinase 2; plus strand). Cytogenetic location: 9q22.31.
Variant type: single nucleotide variant.
Coding change: c.5128A>G on transcript NM_006648.4 (MANE Select); coding-DNA position 5128, A replaced by G.
Protein change: p.Thr1710Ala; replaces threonine 1710 with alanine.
Molecular consequence: missense variant.
Genome position (GRCh38, 1-based): chr9:93,292,593, A>G. VCF-style: chr9-93292593-A-G. GRCh37 (hg19) VCF-style: chr9-96054875-A-G.
Other names: c.5239A>G, p.Thr1747Ala (NM_001282394.3); short protein forms T1747A, T1710A.
Identifiers: ClinVar variation 3817041 (VCV003817041.1).

ClinVar aggregate classification (germline): Uncertain significance (1 of 4 stars; one submission).

gnomAD v4.1: 2 of 1,580,458 alleles (0.00013%); highest among the groups gnomAD compares: South Asian, 0.0011%; no homozygotes.

Submission:

Ambry Genetics
Classification: Uncertain significance. Last evaluated: 2025-02-08. Review status: criteria provided, single submitter. Criteria: Ambry Variant Classification Scheme 2023. Collection method: clinical testing. Allele origin: germline.
Comment: The p.T1710A variant (also known as c.5128A>G), located in coding exon 22 of the WNK2 gene, results from an A to G substitution at nucleotide position 5128. The threonine at codon 1710 is replaced by alanine, an amino acid with similar properties. This amino acid position is conserved. In addition, this alteration is predicted to be tolerated by in silico analysis. Based on the available evidence, the clinical significance of this variant remains unclear.